The following is an entry in ClinVar:

NM_001080.3(ALDH5A1):c.1573C>G (p.Leu525Val)

Gene: ALDH5A1 (aldehyde dehydrogenase 5 family member A1; plus strand). Cytogenetic location: 6p22.3.
Variant type: single nucleotide variant.
Coding change: c.1573C>G on transcript NM_001080.3 (MANE Select); coding-DNA position 1573, C replaced by G.
Protein change: p.Leu525Val; replaces leucine 525 with valine.
Molecular consequence: missense variant.
Genome position (GRCh38, 1-based): chr6:24,533,677, C>G. VCF-style: chr6-24533677-C-G. GRCh37 (hg19) VCF-style: chr6-24533905-C-G.
Other names: c.1429C>G, p.Leu477Val (NM_001368954.1); c.1612C>G, p.Leu538Val (NM_170740.1); short protein forms L477V, L525V, L538V.
Identifiers: ClinVar variation 4086563 (VCV004086563.1).
Genomic context (GRCh38, chr6:24,533,677, plus strand): 5'-GGTGGAGTGAAGCAGTCCGGCCTTGGGCGAGAGGGGTCCAAGTATGGCATTGATGAGTAT[C>G]TGGAACTCAAGTATGTGTGTTACGGGGGCTTGTAGGATTCTTTGGTTCTTTAAAAAAATT-3'
Protein context (NP_001071.1, residues 515-535): EGSKYGIDEY[Leu525Val]ELKYVCYGGL

ClinVar aggregate classification (germline): Uncertain significance (1 of 4 stars; one submission).

gnomAD v4.1: 1 of 1,614,040 alleles (0.000062%); highest among the groups gnomAD compares: Non-Finnish European, 0.000085%; no homozygotes.

Submission:

GeneDx
Classification: Uncertain significance. Last evaluated: 2025-03-16. Review status: criteria provided, single submitter. Criteria: GeneDx Variant Classification Process June 2021. Collection method: clinical testing. Allele origin: germline. Affected: yes.
Comment: Not observed at significant frequency in large population cohorts (gnomAD); In silico analysis supports a deleterious effect on splicing; In silico analysis indicates that this missense variant does not alter protein structure/function; Has not been previously published as pathogenic or benign to our knowledge